The following is an entry in ClinVar:

NM_020066.5(FMN2):c.2934A>G (p.Pro978=)

Gene: FMN2 (formin 2; plus strand). Cytogenetic location: 1q43.
Variant type: single nucleotide variant.
Coding change: c.2934A>G on transcript NM_020066.5 (MANE Select); coding-DNA position 2934, A replaced by G.
Protein change: p.Pro978=; no amino-acid change (proline 978 retained).
Molecular consequence: synonymous variant. On other transcripts: intron variant (1).
Genome position (GRCh38, 1-based): chr1:240,207,746, A>G. VCF-style: chr1-240207746-A-G. GRCh37 (hg19) VCF-style: chr1-240371046-A-G.
Other names: c.2946A>G, p.Pro982= (NM_001305424.2); c.1986+19484A>G (NM_001348094.2).
Identifiers: ClinVar variation 2640142 (VCV002640142.24), dbSNP rs201199944, ClinGen allele CA1476899.

ClinVar aggregate classification (germline): Likely benign (1 of 4 stars; one submission).

Allele frequency attached by ClinVar (database versions not stated): gnomAD 0.00021.

Submission:

CeGaT Center for Human Genetics Tuebingen
Classification: Likely benign. Last evaluated: 2026-04-01. Review status: criteria provided, single submitter. Criteria: CeGaT Center For Human Genetics Tuebingen Variant Classification Criteria Version 2. Collection method: clinical testing. Allele origin: germline. Affected: yes. Observed: 5 variant alleles.
Comment: FMN2: BP4, BP7